The following is an entry in ClinVar:

ClinVar aggregate classification (germline): Uncertain significance. Review status: criteria provided, multiple submitters, no conflicts (2 of 4 stars). 5 submissions from 5 submitters: Uncertain significance (5). Last evaluated 2024-12-21.

Conditions:
Arrhythmogenic right ventricular cardiomyopathy (ARVD). Also called: Arrhythmogenic right ventricular dysplasia; Cardiomyopathy, ARVC; Arrhythmogenic cardiomyopathy; Arrhythmogenic Right Ventricular Cardiomyopathy (ARVC). Identifiers: Orphanet 247, MedGen C0349788, MeSH D019571, MONDO:0016587. Disease mechanism: loss of function. Inheritance: Various modes of inheritance.
Cardiovascular phenotype. Identifiers: MedGen CN230736.
Arrhythmogenic right ventricular dysplasia 10. Also called: ARRHYTHMOGENIC RIGHT VENTRICULAR DYSPLASIA, FAMILIAL, 10; Arrhythmogenic Right Ventricular Dysplasia/Cardiomyopathy10; Arrhythmogenic right ventricular dysplasia/cardiomyopathy, type 10. Identifiers: MedGen C1857777, MONDO:0012434, OMIM 610193.
Cardiomyopathy (CMYO). Also called: Cardiomyopathies. Identifiers: Orphanet 167848, MedGen C0878544, MONDO:0004994, HP:0001638. Inheritance: Various modes of inheritance.

Allele frequency attached by ClinVar (database versions not stated): gnomAD exomes below 0.00001; ExAC 0.00001.
gnomAD v4.1: 6 of 1,614,146 alleles (0.00037%); highest among the groups gnomAD compares: Admixed American, 0.0017%; no homozygotes.

Submissions (5):

GeneDx
Classification: Uncertain significance. Last evaluated: 2024-12-21. Review status: criteria provided, single submitter. Criteria: GeneDx Variant Classification Process June 2021. Collection method: clinical testing. Allele origin: germline. Affected: yes.
Comment: Not observed at significant frequency in large population cohorts (gnomAD); In silico analysis supports that this missense variant has a deleterious effect on protein structure/function; Has not been previously published as pathogenic or benign to our knowledge

Labcorp Genetics (formerly Invitae), Labcorp
Classification: Uncertain significance for Arrhythmogenic right ventricular dysplasia 10. Last evaluated: 2024-10-30. Review status: criteria provided, single submitter. Criteria: Invitae Variant Classification Sherloc (09022015). Collection method: clinical testing. Allele origin: germline.
Comment: This sequence change replaces serine, which is neutral and polar, with leucine, which is neutral and non-polar, at codon 806 of the DSG2 protein (p.Ser806Leu). This variant is not present in population databases (gnomAD no frequency). This variant has not been reported in the literature in individuals affected with DSG2-related conditions. ClinVar contains an entry for this variant (Variation ID: 2563306). Invitae Evidence Modeling of protein sequence and biophysical properties (such as structural, functional, and spatial information, amino acid conservation, physicochemical variation, residue mobility, and thermodynamic stability) has been performed for this missense variant. However, the output from this modeling did not meet the statistical confidence thresholds required to predict the impact of this variant on DSG2 protein function. In summary, the available evidence is currently insufficient to determine the role of this variant in disease. Therefore, it has been classified as a Variant of Uncertain Significance.

All of Us Research Program, National Institutes of Health
Classification: Uncertain significance for Arrhythmogenic right ventricular cardiomyopathy. Last evaluated: 2024-08-13. Review status: criteria provided, single submitter. Criteria: ACMG Guidelines, 2015. Collection method: clinical testing. Allele origin: germline. Inheritance: Autosomal dominant inheritance. Observed: 4 variant alleles, 4 heterozygotes.
Comment: This missense variant replaces serine with leucine at codon 806 of the DSG2 protein. Computational prediction is inconclusive regarding the impact of this variant on protein structure and function (internally defined REVEL score threshold 0.5 < inconclusive < 0.7, PMID: 27666373). To our knowledge, functional studies have not been reported for this variant. This variant has not been reported in individuals affected with DSG2-related disorders in the literature. This variant has not been identified in the general population by the Genome Aggregation Database (gnomAD). The available evidence is insufficient to determine the role of this variant in disease conclusively. Therefore, this variant is classified as a Variant of Uncertain Significance.

This study involves interpretation of variants in research participants for the purpose of population health screening. Participant phenotype was not available at the time of variant classification. Additional details can be found in publication PMID: 35346344, PMCID: PMC8962531

Color Diagnostics, LLC DBA Color Health
Classification: Uncertain significance for Cardiomyopathy. Last evaluated: 2024-07-23. Review status: criteria provided, single submitter. Criteria: ACMG Guidelines, 2015. Collection method: clinical testing. Allele origin: germline.
Comment: This missense variant replaces serine with leucine at codon 806 of the DSG2 protein. Computational prediction is inconclusive regarding the impact of this variant on protein structure and function (internally defined REVEL score threshold 0.5 < inconclusive < 0.7, PMID: 27666373). To our knowledge, functional studies have not been reported for this variant. This variant has not been reported in individuals affected with DSG2-related disorders in the literature. This variant has not been identified in the general population by the Genome Aggregation Database (gnomAD). The available evidence is insufficient to determine the role of this variant in disease conclusively. Therefore, this variant is classified as a Variant of Uncertain Significance.

Ambry Genetics
Classification: Uncertain significance for Cardiovascular phenotype. Last evaluated: 2023-04-11. Review status: criteria provided, single submitter. Criteria: Ambry Variant Classification Scheme 2023. Collection method: clinical testing. Allele origin: germline.
Comment: The p.S806L variant (also known as c.2417C>T), located in coding exon 15 of the DSG2 gene, results from a C to T substitution at nucleotide position 2417. The serine at codon 806 is replaced by leucine, an amino acid with dissimilar properties. This amino acid position is conserved. In addition, this alteration is predicted to be deleterious by in silico analysis. Since supporting evidence is limited at this time, the clinical significance of this alteration remains unclear.

NM_001943.5(DSG2):c.2417C>T (p.Ser806Leu)

Genes: DSG2 (desmoglein 2; plus strand), DSG2-AS1 (DSG2 antisense RNA 1; minus strand). Cytogenetic location: 18q12.1.
Variant type: single nucleotide variant.
Coding change: c.2417C>T on transcript NM_001943.5 (MANE Select); coding-DNA position 2417, C replaced by T.
Protein change: p.Ser806Leu; replaces serine 806 with leucine.
Molecular consequence: missense variant. On other transcripts: non-coding transcript variant (1).
Genome position (GRCh38, 1-based): chr18:31,545,803, C>T. VCF-style: chr18-31545803-C-T. GRCh37 (hg19) VCF-style: chr18-29125766-C-T.
Other names: short protein forms S806L.
Identifiers: ClinVar variation 2563306 (VCV002563306.7), dbSNP rs764524494, ClinGen allele CA045962.